The following is an entry in ClinVar:

NM_006393.3(NEBL):c.1521T>A (p.Asp507Glu)

Gene: NEBL (nebulette; minus strand). Cytogenetic location: 10p12.31.
Variant type: single nucleotide variant.
Coding change: c.1521T>A on transcript NM_006393.3 (MANE Select); coding-DNA position 1521, T replaced by A.
Protein change: p.Asp507Glu; replaces aspartic acid 507 with glutamic acid.
Molecular consequence: missense variant. On other transcripts: intron variant (9).
Genome position (GRCh38, 1-based): chr10:20,831,512, A>T on the plus strand (T>A on the coding strand, the complement: NEBL is on the minus strand). VCF-style: chr10-20831512-A-T. GRCh37 (hg19) VCF-style: chr10-21120441-A-T.
Other names: c.250-18572T>A (NM_001377326.1, NM_001377327.1, NM_001377328.1); c.358-18572T>A (NM_213569.2, NM_001173484.2, NM_001377322.1); c.301-18572T>A (NM_001377324.1); c.292-18572T>A (NM_001377325.1); c.310-18572T>A (NM_001377323.1); short protein forms D507E.
Identifiers: ClinVar variation 3299114 (VCV003299114.1).
Genomic context (GRCh38, chr10:20,831,512, plus strand): 5'-TGTATCTTGCTGCTGTCTTACCTGGCTGGCCATCTCGGATGCTTTCTTAGCTCTCTGGAC[A>T]TCAAGAGTGTCTGTGCTCACCTGCATCCCTTTCCCTTTAATTTCAGTCTCCAGATCTCTT-3'
Protein context (NP_006384.1, residues 497-517): KGMQVSTDTL[Asp507Glu]VQRAKKASEM

ClinVar aggregate classification (germline): Uncertain significance (1 of 4 stars; one submission).

gnomAD v4.1: 5 of 1,612,560 alleles (0.00031%); highest among the groups gnomAD compares: Middle Eastern, 0.017%; no homozygotes.

Submission:

Ambry Genetics
Classification: Uncertain significance. Last evaluated: 2024-04-04. Review status: criteria provided, single submitter. Criteria: Ambry Variant Classification Scheme 2023. Collection method: clinical testing. Allele origin: germline.
Comment: The p.D507E variant (also known as c.1521T>A), located in coding exon 15 of the NEBL gene, results from a T to A substitution at nucleotide position 1521. The aspartic acid at codon 507 is replaced by glutamic acid, an amino acid with highly similar properties. This amino acid position is conserved. In addition, this alteration is predicted to be tolerated by in silico analysis. Based on the available evidence, the clinical significance of this variant remains unclear.